The following is an entry in ClinVar:

ClinVar aggregate classification (germline): Uncertain significance. Review status: criteria provided, multiple submitters, no conflicts (2 of 4 stars). 2 submissions from 2 submitters: Uncertain significance (2). Last evaluated 2026-07-12.

Conditions:
Inborn genetic diseases. Identifiers: MedGen C0950123, MeSH D030342.

Allele frequency attached by ClinVar (database versions not stated): TOPMed below 0.00001.

Submissions (2):

GeneDx
Classification: Uncertain significance. Last evaluated: 2026-07-12. Review status: criteria provided, single submitter. Criteria: GeneDx Variant Classification Process June 2021. Collection method: clinical testing. Allele origin: germline.
Comment: Not observed at significant frequency in large population cohorts (gnomAD); In silico analysis supports that this missense variant has a deleterious effect on protein structure/function; Has not been previously published as pathogenic or benign to our knowledge

Ambry Genetics
Classification: Uncertain significance for Inborn genetic diseases. Last evaluated: 2025-09-22. Review status: criteria provided, single submitter. Criteria: Ambry Variant Classification Scheme 2023. Collection method: clinical testing. Allele origin: germline.

NM_000404.4(GLB1):c.825T>A (p.Asp275Glu)

Gene: GLB1 (galactosidase beta 1; minus strand). Cytogenetic location: 3p22.3.
Variant type: single nucleotide variant.
Coding change: c.825T>A on transcript NM_000404.4 (MANE Select); coding-DNA position 825, T replaced by A.
Protein change: p.Asp275Glu; replaces aspartic acid 275 with glutamic acid.
Molecular consequence: missense variant.
Genome position (GRCh38, 1-based): chr3:33,051,972, A>T on the plus strand (T>A on the coding strand, the complement: GLB1 is on the minus strand). VCF-style: chr3-33051972-A-T. GRCh37 (hg19) VCF-style: chr3-33093464-A-T.
Other names: c.735T>A, p.Asp245Glu (NM_001079811.3); c.432T>A, p.Asp144Glu (NM_001135602.3); c.969T>A, p.Asp323Glu (NM_001317040.2); c.825T>A, p.Asp275Glu (NM_001393580.1); short protein forms D144E, D245E, D275E, D323E.
Identifiers: ClinVar variation 2662239 (VCV002662239.3), dbSNP rs1699012837, ClinGen allele CA352001584.